The following is an entry in ClinVar:

NM_000944.5(PPP3CA):c.1480G>T (p.Ala494Ser)

Gene: PPP3CA (protein phosphatase 3 catalytic subunit alpha; minus strand). Cytogenetic location: 4q24.
Variant type: single nucleotide variant.
Coding change: c.1480G>T on transcript NM_000944.5 (MANE Select); coding-DNA position 1480, G replaced by T.
Protein change: p.Ala494Ser; replaces alanine 494 with serine.
Molecular consequence: missense variant.
Genome position (GRCh38, 1-based): chr4:101,025,951, C>A on the plus strand (G>T on the coding strand, the complement: PPP3CA is on the minus strand). VCF-style: chr4-101025951-C-A. GRCh37 (hg19) VCF-style: chr4-101947108-C-A.
Other names: c.1450G>T, p.Ala484Ser (NM_001130691.2); c.1324G>T, p.Ala442Ser (NM_001130692.2); short protein forms A442S, A494S, A484S.
Identifiers: ClinVar variation 1487615 (VCV001487615.8), dbSNP rs778848431, ClinGen allele CA357947599.

ClinVar aggregate classification (germline): Uncertain significance (1 of 4 stars; one submission).

gnomAD v4.1: 1 of 1,613,016 alleles (0.000062%); highest among the groups gnomAD compares: Non-Finnish European, 0.000085%; no homozygotes.

Submission:

Labcorp Genetics (formerly Invitae), Labcorp
Classification: Uncertain significance. Last evaluated: 2022-10-17. Review status: criteria provided, single submitter. Criteria: Invitae Variant Classification Sherloc (09022015). Collection method: clinical testing. Allele origin: germline.
Comment: ClinVar contains an entry for this variant (Variation ID: 1487615). In summary, the available evidence is currently insufficient to determine the role of this variant in disease. Therefore, it has been classified as a Variant of Uncertain Significance. Algorithms developed to predict the effect of missense changes on protein structure and function (SIFT, PolyPhen-2, Align-GVGD) all suggest that this variant is likely to be tolerated. This variant has not been reported in the literature in individuals affected with PPP3CA-related conditions. This variant is present in population databases (no rsID available, gnomAD 0.007%). This sequence change replaces alanine, which is neutral and non-polar, with serine, which is neutral and polar, at codon 494 of the PPP3CA protein (p.Ala494Ser).